The following is an entry in ClinVar:

ClinVar aggregate classification (germline): Uncertain significance. Review status: criteria provided, multiple submitters, no conflicts (2 of 4 stars). 2 submissions from 2 submitters: Uncertain significance (2). Last evaluated 2025-03-31.

Conditions:
Inborn genetic diseases. Identifiers: MedGen C0950123, MeSH D030342.
Monocytopenia with susceptibility to infections. Also called: Dendritic cell, monocyte, B lymphocyte, and natural killer lymphocyte deficiency; MONOCYTOPENIA AND MYCOBACTERIAL INFECTION SYNDROME; MONOCYTOPENIA WITH SUSCEPTIBILITY TO MYCOBACTERIAL, FUNGAL, AND PAPILLOMAVIRUS INFECTIONS AND MYELODYSPLASIA; COMBINED IMMUNODEFICIENCY WITH SUSCEPTIBILITY TO MYCOBACTERIAL, VIRAL, AND FUNGAL INFECTIONS; IMMUNODEFICIENCY 21; GATA2 DEFICIENCY. Identifiers: Orphanet 228423, MedGen C3280030, MONDO:0013607, OMIM 614172.
Deafness-lymphedema-leukemia syndrome. Also called: Lymphedema, primary, with myelodysplasia; Emberger syndrome. Identifiers: Orphanet 3226, MedGen C3279664, MONDO:0013540, OMIM 614038.

Allele frequency attached by ClinVar (database versions not stated): gnomAD exomes below 0.00001; gnomAD 0.00001.
gnomAD v4.1: 5 of 1,601,836 alleles (0.00031%); highest among the groups gnomAD compares: Non-Finnish European, 0.00043%; no homozygotes.

Submissions (2):

Ambry Genetics
Classification: Uncertain significance for Inborn genetic diseases. Last evaluated: 2025-03-31. Review status: criteria provided, single submitter. Criteria: Ambry Variant Classification Scheme 2023. Collection method: clinical testing. Allele origin: germline.
Comment: The p.H76D variant (also known as c.226C>G), located in coding exon 1 of the GATA2 gene, results from a C to G substitution at nucleotide position 226. The histidine at codon 76 is replaced by aspartic acid, an amino acid with similar properties. This amino acid position is conserved. In addition, this alteration is predicted to be deleterious by in silico analysis. Based on the available evidence, the clinical significance of this variant remains unclear.

Labcorp Genetics (formerly Invitae), Labcorp
Classification: Uncertain significance for Monocytopenia with susceptibility to infections; Deafness-lymphedema-leukemia syndrome. Last evaluated: 2024-01-19. Review status: criteria provided, single submitter. Criteria: Invitae Variant Classification Sherloc (09022015). Collection method: clinical testing. Allele origin: germline.
Comment: This sequence change replaces histidine, which is basic and polar, with aspartic acid, which is acidic and polar, at codon 76 of the GATA2 protein (p.His76Asp). This variant is not present in population databases (gnomAD no frequency). This variant has not been reported in the literature in individuals affected with GATA2-related conditions. ClinVar contains an entry for this variant (Variation ID: 2418841). Advanced modeling of protein sequence and biophysical properties (such as structural, functional, and spatial information, amino acid conservation, physicochemical variation, residue mobility, and thermodynamic stability) has been performed at Invitae for this missense variant, however the output from this modeling did not meet the statistical confidence thresholds required to predict the impact of this variant on GATA2 protein function. In summary, the available evidence is currently insufficient to determine the role of this variant in disease. Therefore, it has been classified as a Variant of Uncertain Significance.

NM_032638.5(GATA2):c.226C>G (p.His76Asp)

Gene: GATA2 (GATA binding protein 2; minus strand). Cytogenetic location: 3q21.3.
Variant type: single nucleotide variant.
Coding change: c.226C>G on transcript NM_032638.5 (MANE Select); coding-DNA position 226, C replaced by G.
Protein change: p.His76Asp; replaces histidine 76 with aspartic acid.
Molecular consequence: missense variant.
Genome position (GRCh38, 1-based): chr3:128,486,806, G>C on the plus strand (C>G on the coding strand, the complement: GATA2 is on the minus strand). VCF-style: chr3-128486806-G-C. GRCh37 (hg19) VCF-style: chr3-128205649-G-C.
Other names: c.226C>G, p.His76Asp (NM_001145661.2, NM_001145662.1); short protein forms H76D.
Identifiers: ClinVar variation 2418841 (VCV002418841.7), dbSNP rs2068706465, ClinGen allele CA354408170.
Genomic context (GRCh38, chr3:128,486,806, plus strand): 5'-CCTCCCTCGCCTGGCGCGCGGCGCCTGGGTTCTCATCACCACGGGCCCAGTGCTCACCGT[G>C]CGCGGGGCTGTAGGAGACGCGCGCCCGCGCGTGAGCGGGGTTGGCATAGTAGGGGTTGCC-3'
Protein context (NP_116027.2, residues 66-86): ARARVSYSPA[His76Asp]ARLTGGQMCR